The following is an entry in ClinVar:

NM_000297.4(PKD2):c.1349G>A (p.Gly450Asp)

Gene: PKD2 (polycystin 2, transient receptor potential cation channel; plus strand). Cytogenetic location: 4q22.1.
Variant type: single nucleotide variant.
Coding change: c.1349G>A on transcript NM_000297.4 (MANE Select); coding-DNA position 1349, G replaced by A.
Protein change: p.Gly450Asp; replaces glycine 450 with aspartic acid.
Molecular consequence: missense variant. On other transcripts: non-coding transcript variant (1).
Genome position (GRCh38, 1-based): chr4:88,046,671, G>A. VCF-style: chr4-88046671-G-A. GRCh37 (hg19) VCF-style: chr4-88967823-G-A.
Other names: short protein forms G450D.
Identifiers: ClinVar variation 636955 (VCV000636955.7), dbSNP rs1578135842, ClinGen allele CA357618534.

ClinVar aggregate classification (germline): Conflicting classifications of pathogenicity. Review status: criteria provided, conflicting classifications (1 of 4 stars). 3 submissions from 3 submitters: Pathogenic (1); Likely pathogenic (1); Uncertain significance (1). Last evaluated 2026-08-11.

Conditions:
PKD2-related disorder. Also called: PKD2-related condition.
Polycystic kidney disease 2 (PKD2). Also called: POLYCYSTIC KIDNEY DISEASE, ADULT, TYPE II; Polycystic Kidney Disease 2, Autosomal Dominant; POLYCYSTIC KIDNEY DISEASE 2 WITH OR WITHOUT POLYCYSTIC LIVER DISEASE. Identifiers: MedGen C2751306, MONDO:0013131, OMIM 613095.

Submissions (3):

GeneDx
Classification: Uncertain significance. Last evaluated: 2026-08-11. Review status: criteria provided, single submitter. Criteria: GeneDx Variant Classification Process June 2021. Collection method: clinical testing. Allele origin: germline.
Comment: Not observed at significant frequency in large population cohorts (gnomAD); In silico analysis supports that this missense variant has a deleterious effect on protein structure/function; This variant is associated with the following publications: (PMID: 26150605)

Victorian Clinical Genetics Services, Murdoch Childrens Research Institute
Classification: Pathogenic for Polycystic kidney disease 2. Last evaluated: 2021-05-06. Review status: criteria provided, single submitter. Criteria: ACMG Guidelines, 2015. Collection method: clinical testing. Allele origin: germline. Inheritance: Autosomal dominant inheritance. Affected: yes.
Comment: Based on the classification scheme VCGS_Germline_v1.3.4, this variant is classified as Pathogenic. Following criteria are met: 0102 - Loss of function is a known mechanism of disease in this gene and is associated with polycystic kidney disease 2 (MIM#613095). (I) 0107 - This gene is associated with autosomal dominant disease. (I) 0200 - Variant is predicted to result in a missense amino acid change from glycine to aspartic acid. (I) 0251 - This variant is heterozygous. (I) 0301 - Variant is absent from gnomAD (both v2 and v3). (SP) 0502 - Missense variant with conflicting in silico predictions and uninformative conservation. (I) 0600 - Variant is located in the annotated PKD channel domain (NCBI, PDB, DECIPHER). (I) 0705 - No comparable missense variants have previous evidence for pathogenicity. (I) 0803 - This variant has limited previous evidence of pathogenicity in unrelated individuals. It has been reported as a VUS and as likely pathogenic in individuals with autosomal dominant polycystic kidney disease (ClinVar, PMID: 26150605). (SP) 0905 - No published segregation evidence has been identified for this variant. (I) 1007 - No published functional evidence has been identified for this variant. (SP) Legend: (SP) - Supporting pathogenic, (I) - Information, (SB) - Supporting benign

Blueprint Genetics
Classification: Likely pathogenic for PKD2-related disorders. Last evaluated: 2019-02-13. Review status: criteria provided, single submitter. Criteria: ACMG Guidelines, 2015. Collection method: clinical testing. Allele origin: germline. Affected: yes. Observed: 1 variant allele.

Literature cited by the submitters: PubMed 26150605 (cited by Victorian Clinical Genetics Services, Murdoch Childrens Research Institute).